The following is an entry in ClinVar:

NM_015271.5(TRIM2):c.1768G>A (p.Asp590Asn)

Gene: TRIM2 (tripartite motif containing 2; plus strand). Cytogenetic location: 4q31.3.
Variant type: single nucleotide variant.
Coding change: c.1768G>A on transcript NM_015271.5 (MANE Select); coding-DNA position 1768, G replaced by A.
Protein change: p.Asp590Asn; replaces aspartic acid 590 with asparagine.
Molecular consequence: missense variant.
Genome position (GRCh38, 1-based): chr4:153,315,985, G>A. VCF-style: chr4-153315985-G-A. GRCh37 (hg19) VCF-style: chr4-154237137-G-A.
Other names: c.1687G>A, p.Asp563Asn (NM_001375512.1, NM_001375513.1, NM_001375514.1 and 5 more transcripts); c.1435G>A, p.Asp479Asn (NM_001375519.1); c.1432G>A, p.Asp478Asn (NM_001375520.1); c.1429G>A, p.Asp477Asn (NM_001375522.1, NM_001375523.1, NM_001375525.1); c.1741G>A, p.Asp581Asn (NM_001351054.2); c.1738G>A, p.Asp580Asn (NM_001351055.2); c.1312G>A, p.Asp438Asn (NM_001351057.2); c.1861G>A, p.Asp621Asn (NM_001375488.1); and 3 more; short protein forms D580N, D621N, D438N, D477N, D563N, D571N, D581N, D620N.
Identifiers: ClinVar variation 2913176 (VCV002913176.3), dbSNP rs1023492892, ClinGen allele CA107891295.

ClinVar aggregate classification (germline): Uncertain significance (1 of 4 stars; one submission).

Conditions:
Charcot-Marie-Tooth disease type 2R. Also called: Charcot-Marie-Tooth disease, axonal, type 2R; CHARCOT-MARIE-TOOTH NEUROPATHY, TYPE 2R; CHARCOT-MARIE-TOOTH DISEASE, AXONAL, AUTOSOMAL RECESSIVE, TYPE 2R. Identifiers: Orphanet 397968, MedGen C3809655, MONDO:0014208, OMIM 615490.

Allele frequency attached by ClinVar (database versions not stated): gnomAD 0.00001; gnomAD exomes 0.00001; TOPMed 0.00002.
gnomAD v4.1: 11 of 1,569,466 alleles (0.0007%); highest among the groups gnomAD compares: Non-Finnish European, 0.00095%; no homozygotes.

Submission:

Labcorp Genetics (formerly Invitae), Labcorp
Classification: Uncertain significance for Charcot-Marie-Tooth disease type 2R. Last evaluated: 2023-10-06. Review status: criteria provided, single submitter. Criteria: Invitae Variant Classification Sherloc (09022015). Collection method: clinical testing. Allele origin: germline.
Comment: This sequence change replaces aspartic acid, which is acidic and polar, with asparagine, which is neutral and polar, at codon 563 of the TRIM2 protein (p.Asp563Asn). The frequency data for this variant in the population databases is considered unreliable, as metrics indicate poor data quality at this position in the gnomAD database. This variant has not been reported in the literature in individuals affected with TRIM2-related conditions. An algorithm developed to predict the effect of missense changes on protein structure and function (PolyPhen-2) suggests that this variant is likely to be tolerated. In summary, the available evidence is currently insufficient to determine the role of this variant in disease. Therefore, it has been classified as a Variant of Uncertain Significance.